The following is an entry in ClinVar:

ClinVar aggregate classification (germline): Uncertain significance (1 of 4 stars; one submission).

Conditions:
WDPCP-related disorder. Also called: WDPCP-related condition.

Submission:

PreventionGenetics, part of Exact Sciences
Classification: Uncertain significance for WDPCP-related condition. Last evaluated: 2024-12-14. Review status: criteria provided, single submitter. Criteria: ACMG Guidelines, 2015. Collection method: clinical testing. Allele origin: germline.
Comment: The WDPCP c.1916A>T variant is predicted to result in the amino acid substitution p.Asp639Val. To our knowledge, this variant has not been reported in the literature or in a large population database (gnomAD), indicating this variant is rare. At this time, the clinical significance of this variant is uncertain due to the absence of conclusive functional and genetic evidence.

NM_015910.7(WDPCP):c.1748+18477A>T

Gene: WDPCP (WD repeat containing planar cell polarity effector; minus strand). Cytogenetic location: 2p15.
Variant type: single nucleotide variant.
Coding change: c.1748+18477A>T on transcript NM_015910.7 (MANE Select); 18477 bases into the intron after coding-DNA position 1748, A replaced by T.
Molecular consequence: intron variant. On other transcripts: missense variant (1).
Genome position (GRCh38, 1-based): chr2:63,359,909, T>A on the plus strand (A>T on the coding strand, the complement: WDPCP is on the minus strand). VCF-style: chr2-63359909-T-A. GRCh37 (hg19) VCF-style: chr2-63587044-T-A.
Other names: c.1916A>T, p.Asp639Val (NM_001354045.2); c.1676+18477A>T (NM_001354044.2); c.1271+18477A>T (NM_001042692.3); short protein forms D639V.
Identifiers: ClinVar variation 4984353 (VCV004984353.1).